The following is an entry in ClinVar:

NM_015278.5(SASH1):c.1698C>T (p.Thr566=)

Gene: SASH1 (SAM and SH3 domain containing 1; plus strand). Cytogenetic location: 6q25.1.
Variant type: single nucleotide variant.
Coding change: c.1698C>T on transcript NM_015278.5 (MANE Select); coding-DNA position 1698, C replaced by T.
Protein change: p.Thr566=; no amino-acid change (threonine 566 retained).
Molecular consequence: synonymous variant.
Genome position (GRCh38, 1-based): chr6:148,532,930, C>T. VCF-style: chr6-148532930-C-T. GRCh37 (hg19) VCF-style: chr6-148854066-C-T.
Other names: c.1563C>T, p.Thr521= (NM_001346505.2); c.1326C>T, p.Thr442= (NM_001346506.2); c.981C>T, p.Thr327= (NM_001346507.2); c.1470C>T, p.Thr490= (NM_001346508.2); c.1347C>T, p.Thr449= (NM_001346509.2); c.1698C>T (NM_015278.4).
Identifiers: ClinVar variation 2656987 (VCV002656987.26), dbSNP rs149897928, ClinGen allele CA4040398.

ClinVar aggregate classification (germline): Likely benign. Review status: criteria provided, multiple submitters, no conflicts (2 of 4 stars). 3 submissions from 3 submitters: Likely benign (2). 1 of the submissions does not count toward it. Last evaluated 2025-04-01.

Conditions:
SASH1-related disorder. Also called: SASH1-related condition.

Allele frequency attached by ClinVar (database versions not stated): 1000 Genomes Project 0.00120; 1000 Genomes Project 30x 0.00125; TOPMed 0.00332; gnomAD 0.00368; ExAC 0.00402; ESP Exome Variant Server 0.00515; gnomAD exomes 0.00529.
gnomAD v4.1: 8,205 of 1,614,170 alleles (0.51%); highest among the groups gnomAD compares: Non-Finnish European, 0.64%; 19 homozygotes.

Submissions (3):

CeGaT Center for Human Genetics Tuebingen
Classification: Likely benign. Last evaluated: 2025-04-01. Review status: criteria provided, single submitter. Criteria: CeGaT Center For Human Genetics Tuebingen Variant Classification Criteria Version 2. Collection method: clinical testing. Allele origin: germline. Affected: yes. Observed: 4 variant alleles.
Comment: SASH1: BP4, BP7, BS2

Blueprint Genetics
Classification: Likely benign. Last evaluated: 2024-11-18. Review status: criteria provided, single submitter. Criteria: ACMG Guidelines, 2015. Collection method: clinical testing. Allele origin: germline.

PreventionGenetics, part of Exact Sciences
Classification: Benign for SASH1-related condition. Last evaluated: 2019-04-08. Review status: no assertion criteria provided. Collection method: clinical testing. Allele origin: germline. Not counted in ClinVar's aggregate classification.
Comment: This variant is classified as benign based on ACMG/AMP sequence variant interpretation guidelines (Richards et al. 2015 PMID: 25741868, with internal and published modifications).